The following is an entry in ClinVar:

ClinVar aggregate classification (germline): Uncertain significance (1 of 4 stars; one submission).

Conditions:
Familial thoracic aortic aneurysm and aortic dissection (TAAD). Also called: Thoracic aortic aneurysms and dissections. Identifiers: Orphanet 91387, MedGen C4707243, MONDO:0019625.

Allele frequency attached by ClinVar (database versions not stated): gnomAD exomes below 0.00001.
gnomAD v4.1: 1 of 1,614,026 alleles (0.000062%); highest among the groups gnomAD compares: East Asian, 0.0022%; no homozygotes.

Submission:

Color Diagnostics, LLC DBA Color Health
Classification: Uncertain significance for Familial thoracic aortic aneurysm and aortic dissection. Last evaluated: 2024-03-06. Review status: criteria provided, single submitter. Criteria: ACMG Guidelines, 2015. Collection method: clinical testing. Allele origin: germline.
Comment: This missense variant replaces glutamine with arginine at codon 454 of the FBN1 protein. Computational prediction suggests that this variant may not impact protein structure and function (internally defined REVEL score threshold <= 0.5, PMID: 27666373). Splice site prediction tools suggest that this variant may not impact RNA splicing. To our knowledge, functional studies have not been performed for this variant. This variant has not been reported in individuals affected with cardiovascular disorders in the literature. This variant has not been identified in the general population by the Genome Aggregation Database (gnomAD). The available evidence is insufficient to determine the role of this variant in disease conclusively. Therefore, this variant is classified as a Variant of Uncertain Significance.

NM_000138.5(FBN1):c.1361A>G (p.Gln454Arg)

Gene: FBN1 (fibrillin 1; minus strand). Cytogenetic location: 15q21.1.
Variant type: single nucleotide variant.
Coding change: c.1361A>G on transcript NM_000138.5 (MANE Select); coding-DNA position 1361, A replaced by G.
Protein change: p.Gln454Arg; replaces glutamine 454 with arginine.
Molecular consequence: missense variant.
Genome position (GRCh38, 1-based): chr15:48,515,494, T>C on the plus strand (A>G on the coding strand, the complement: FBN1 is on the minus strand). VCF-style: chr15-48515494-T-C. GRCh37 (hg19) VCF-style: chr15-48807691-T-C.
Other names: short protein forms Q454R.
Identifiers: ClinVar variation 918426 (VCV000918426.4), dbSNP rs2043793504, ClinGen allele CA392343969.